The following is an entry in ClinVar:

ClinVar aggregate classification (germline): Benign/Likely benign (0 of 4 stars; one submission).

Submission:

ISCA site 19
Classification: Benign/Likely benign. Review status: no assertion criteria provided. Collection method: clinical testing. Allele origin: unknown. Affected: yes. Observed: 4 variant alleles. Clinical features observed: Global developmental delay (HP:0001263).
Comment: Likely benign (1), Benign (3)

Copy number variation identified through the course of routine clinical cytogenomic testing in postnatal populations, with clinical assertions as classified by the original submitter. For data from the original published study, Kaminsky, et al. 2011 (PubMed 21844811), please see nstd101.

NCBI36/hg18 Yq11.23(chrY:26523892-26751755)x1

Variant type: copy number loss.
Identifiers: ClinVar variation 400061 (VCV000400061.2).